The following is an entry in ClinVar:

ClinVar aggregate classification (germline): Uncertain significance (1 of 4 stars; one submission).

Conditions:
Spastic paraplegia. Identifiers: MedGen C0037772, HP:0001258.

Submission:

Labcorp Genetics (formerly Invitae), Labcorp
Classification: Uncertain significance for Spastic paraplegia. Last evaluated: 2024-05-10. Review status: criteria provided, single submitter. Criteria: Invitae Variant Classification Sherloc (09022015). Collection method: clinical testing. Allele origin: germline.
Comment: This sequence change replaces glycine, which is neutral and non-polar, with arginine, which is basic and polar, at codon 998 of the KIF5A protein (p.Gly998Arg). This variant also falls at the last nucleotide of exon 26, which is part of the consensus splice site for this exon. This variant is not present in population databases (gnomAD no frequency). This variant has not been reported in the literature in individuals affected with KIF5A-related conditions. An algorithm developed to predict the effect of missense changes on protein structure and function (PolyPhen-2) suggests that this variant is likely to be tolerated. Variants that disrupt the consensus splice site are a relatively common cause of aberrant splicing (PMID: 17576681, 9536098). Algorithms developed to predict the effect of sequence changes on RNA splicing suggest that this variant may disrupt the consensus splice site. In summary, the available evidence is currently insufficient to determine the role of this variant in disease. Therefore, it has been classified as a Variant of Uncertain Significance.

Literature cited by the submitters: PubMed 17576681; PubMed 9536098.

NM_004984.4(KIF5A):c.2992G>A (p.Gly998Arg)

Gene: KIF5A (kinesin family member 5A; plus strand). Cytogenetic location: 12q13.3.
Variant type: single nucleotide variant.
Coding change: c.2992G>A on transcript NM_004984.4 (MANE Select); coding-DNA position 2992, G replaced by A.
Protein change: p.Gly998Arg; replaces glycine 998 with arginine.
Molecular consequence: missense variant.
Genome position (GRCh38, 1-based): chr12:57,581,952, G>A. VCF-style: chr12-57581952-G-A. GRCh37 (hg19) VCF-style: chr12-57975735-G-A.
Other names: c.2725G>A, p.Gly909Arg (NM_001354705.2); short protein forms G909R, G998R.
Identifiers: ClinVar variation 3652909 (VCV003652909.2).